The following is an entry in ClinVar:

NM_000562.3(C8A):c.1079del (p.Ala360fs)

Gene: C8A (complement C8 alpha chain; plus strand). Cytogenetic location: 1p32.2.
Variant type: Deletion.
Coding change: c.1079del on transcript NM_000562.3 (MANE Select); coding-DNA position 1079, one base deleted (C; older notation c.1079delC).
Protein change: p.Ala360fs; shifts the reading frame from alanine 360.
Molecular consequence: frameshift variant.
Genome position (GRCh38, 1-based): chr1:56,886,150, C deleted. VCF-style (leftmost placement, unchanged base first): chr1-56886149-GC-G. GRCh37 (hg19) VCF-style: chr1-57351822-GC-G.
Other names: short protein forms A360fs.
Identifiers: ClinVar variation 2867575 (VCV002867575.3), dbSNP rs748438266, ClinGen allele CA875222.

ClinVar aggregate classification (germline): Pathogenic (1 of 4 stars; one submission).

Allele frequency attached by ClinVar (database versions not stated): ExAC 0.00002; ESP Exome Variant Server 0.00016; gnomAD exomes 0.00002; TOPMed 0.00001; gnomAD 0.00003.

Submission:

Labcorp Genetics (formerly Invitae), Labcorp
Classification: Pathogenic. Last evaluated: 2025-10-21. Review status: criteria provided, single submitter. Criteria: Invitae Variant Classification Sherloc (09022015). Collection method: clinical testing. Allele origin: germline.
Comment: This sequence change creates a premature translational stop signal (p.Ala360Glufs*29) in the C8A gene. It is expected to result in an absent or disrupted protein product. Loss-of-function variants in C8A are known to be pathogenic (PMID: 9759902). This variant is present in population databases (rs748438266, gnomAD 0.004%). This variant has not been reported in the literature in individuals affected with C8A-related conditions. ClinVar contains an entry for this variant (Variation ID: 2867575). For these reasons, this variant has been classified as Pathogenic.

Literature cited by the submitters: PubMed 9759902.